The following is an entry in ClinVar:

ClinVar aggregate classification (germline): Pathogenic/Likely pathogenic. Review status: criteria provided, multiple submitters, no conflicts (2 of 4 stars). 6 submissions from 6 submitters: Pathogenic (3); Likely pathogenic (1). 2 of the submissions do not count toward it. Last evaluated 2023-12-25.

Conditions:
Neuronal ceroid lipofuscinosis. Also called: Neuronal Ceroid Lipofuscinoses. Identifiers: Orphanet 216, Orphanet 79263, MedGen C0027877, MONDO:0016295. Disease mechanism: loss of function.
Neuronal ceroid lipofuscinosis 5 (CLN5). Also called: CEROID LIPOFUSCINOSIS, NEURONAL, 5, VARIABLE AGE AT ONSET; Neuronal ceroid lipofuscinosis Finnish variant; NEURONAL CEROID LIPOFUSCINOSIS, LATE INFANTILE, FINNISH VARIANT; CLN5-Related Neuronal Ceroid-Lipofuscinosis. Identifiers: Orphanet 168491, Orphanet 228360, MedGen C1850442, MONDO:0009745, OMIM 256731.

Allele frequency attached by ClinVar (database versions not stated): gnomAD exomes below 0.00001 and 0.00001.
gnomAD v4.1: 5 of 1,614,190 alleles (0.00031%); highest among the groups gnomAD compares: Non-Finnish European, 0.00042%; no homozygotes.

Submissions (6):

Labcorp Genetics (formerly Invitae), Labcorp
Classification: Pathogenic for Neuronal ceroid lipofuscinosis. Last evaluated: 2023-12-25. Review status: criteria provided, single submitter. Criteria: Invitae Variant Classification Sherloc (09022015). Collection method: clinical testing. Allele origin: germline.
Comment: This sequence change creates a premature translational stop signal (p.Leu175*) in the CLN5 gene. It is expected to result in an absent or disrupted protein product. Loss-of-function variants in CLN5 are known to be pathogenic (PMID: 20157158). This variant is present in population databases (rs386833972, gnomAD 0.0009%). This premature translational stop signal has been observed in individual(s) with neuronal ceroid lipofuscinosis (PMID: 21990111). ClinVar contains an entry for this variant (Variation ID: 56536). For these reasons, this variant has been classified as Pathogenic.

Women's Health and Genetics/Laboratory Corporation of America, LabCorp
Classification: Likely pathogenic for Neuronal ceroid lipofuscinosis. Last evaluated: 2022-05-25. Review status: criteria provided, single submitter. Criteria: LabCorp Variant Classification Summary - May 2015. Collection method: clinical testing. Allele origin: germline.
Comment: Variant summary: CLN5 c.524T>G (p.Leu175X) results in a premature termination codon, predicted to cause a truncation of the encoded protein or absence of the protein due to nonsense mediated decay, which are commonly known mechanisms for disease. Truncations downstream of this position have been classified as pathogenic by our laboratory. The variant allele was found at a frequency of 4e-06 in 251486 control chromosomes (gnomAD). c.524T>G has been reported in the literature in at least one homozygous individual affected with Neuronal Ceroid-Lipofuscinosis (Batten Disease, Kousi_2012). These data indicate that the variant may be associated with disease. To our knowledge, no experimental evidence demonstrating an impact on protein function has been reported. Two ClinVar submitters have assessed the variant since 2014: both classified the variant as pathogenic. Based on the evidence outlined above, the variant was classified as likely pathogenic.

Genome-Nilou Lab
Classification: Pathogenic for Neuronal ceroid lipofuscinosis 5. Last evaluated: 2021-08-10. Review status: criteria provided, single submitter. Criteria: ACMG Guidelines, 2015. Collection method: clinical testing. Allele origin: germline. Affected: no.

Genomic Research Center, Shahid Beheshti University of Medical Sciences
Classification: Pathogenic for Ceroid lipofuscinosis neuronal 5. Last evaluated: 2017-06-18. Review status: criteria provided, single submitter. Criteria: ACMG Guidelines, 2015. Collection method: clinical testing. Allele origin: inherited. Affected: yes. Observed: 1 variant allele.

Counsyl
Classification: Likely pathogenic for Ceroid lipofuscinosis neuronal 5. Last evaluated: 2014-09-16. Review status: no assertion criteria provided. Collection method: literature only. Allele origin: unknown. Inheritance: Autosomal recessive inheritance. Not counted in ClinVar's aggregate classification.

Juha Muilu Group; Institute for Molecular Medicine Finland (FIMM)
Classification: Likely pathogenic for Ceroid lipofuscinosis neuronal 5. Review status: no assertion criteria provided. Collection method: not provided. Allele origin: unknown. Not counted in ClinVar's aggregate classification.
Comment: FinDis database variant: This variant was not found or characterized by our laboratory, data were collected from public sources: see reference
ClinVar note: Converted during submission from probable-pathogenic to Likely pathogenic.

Literature cited by the submitters: PubMed 20157158 (cited by Labcorp Genetics (formerly Invitae), Labcorp); PubMed 21990111 (cited by 3 submitters).

NM_006493.4(CLN5):c.377T>G (p.Leu126Ter)

Gene: CLN5 (CLN5 lysosomal BMP synthase; plus strand). Cytogenetic location: 13q22.3.
Variant type: single nucleotide variant.
Coding change: c.377T>G on transcript NM_006493.4 (MANE Select); coding-DNA position 377, T replaced by G.
Protein change: p.Leu126Ter; replaces leucine 126 with a stop codon.
Molecular consequence: nonsense.
Genome position (GRCh38, 1-based): chr13:76,995,939, T>G. VCF-style: chr13-76995939-T-G. GRCh37 (hg19) VCF-style: chr13-77570074-T-G.
Other names: c.377T>G, p.Leu126Ter (NM_001366624.2); c.524T>G (LRG_692t1); short protein forms L126*.
Identifiers: ClinVar variation 56536 (VCV000056536.15), dbSNP rs386833972, ClinGen allele CA263891.